The following is an entry in ClinVar:

NM_001292063.2(OTOG):c.5380C>T (p.Arg1794Cys)

Gene: OTOG (otogelin; plus strand). Cytogenetic location: 11p15.1.
Variant type: single nucleotide variant.
Coding change: c.5380C>T on transcript NM_001292063.2 (MANE Select); coding-DNA position 5380, C replaced by T.
Protein change: p.Arg1794Cys; replaces arginine 1794 with cysteine.
Molecular consequence: missense variant.
Genome position (GRCh38, 1-based): chr11:17,610,680, C>T. VCF-style: chr11-17610680-C-T. GRCh37 (hg19) VCF-style: chr11-17632227-C-T.
Other names: c.5416C>T, p.Arg1806Cys (NM_001277269.2); short protein forms R1806C, R1794C.
Identifiers: ClinVar variation 432481 (VCV000432481.6), dbSNP rs1246889104, ClinGen allele CA379799396.

ClinVar aggregate classification (germline): Uncertain significance. Review status: criteria provided, multiple submitters, no conflicts (2 of 4 stars). 2 submissions from 2 submitters: Uncertain significance (2). Last evaluated 2021-12-23.

Allele frequency attached by ClinVar (database versions not stated): gnomAD exomes 0.00001 and 0.00007; gnomAD 0.00005 and 0.00006; TOPMed 0.00005.
gnomAD v4.1: 100 of 1,550,504 alleles (0.0064%); highest among the groups gnomAD compares: Non-Finnish European, 0.0084%; no homozygotes.

Submissions (2):

GeneDx
Classification: Uncertain significance. Last evaluated: 2021-12-23. Review status: criteria provided, single submitter. Criteria: GeneDx Variant Classification Process June 2021. Collection method: clinical testing. Allele origin: germline. Affected: yes.
Comment: Not observed at significant frequency in large population cohorts (Lek et al., 2016); In silico analysis supports that this missense variant does not alter protein structure/function; Has not been previously published as pathogenic or benign to our knowledge

Labcorp Genetics (formerly Invitae), Labcorp
Classification: Uncertain significance. Last evaluated: 2021-08-28. Review status: criteria provided, single submitter. Criteria: Invitae Variant Classification Sherloc (09022015). Collection method: clinical testing. Allele origin: germline.
Comment: This sequence change replaces arginine with cysteine at codon 1806 of the OTOG protein (p.Arg1806Cys). The arginine residue is moderately conserved and there is a large physicochemical difference between arginine and cysteine. The frequency data for this variant in the population databases is considered unreliable, as metrics indicate insufficient coverage at this position in the ExAC database. This variant has not been reported in the literature in individuals affected with OTOG-related conditions. ClinVar contains an entry for this variant (Variation ID: 432481). Algorithms developed to predict the effect of missense changes on protein structure and function are either unavailable or do not agree on the potential impact of this missense change (SIFT: "Deleterious"; PolyPhen-2: "Possibly Damaging"; Align-GVGD: "Class C0"). In summary, the available evidence is currently insufficient to determine the role of this variant in disease. Therefore, it has been classified as a Variant of Uncertain Significance.